The following is an entry in ClinVar:

NM_001042492.3(NF1):c.3708+10T>C

Gene: NF1 (neurofibromin 1; plus strand). Cytogenetic location: 17q11.2.
Variant type: single nucleotide variant.
Coding change: c.3708+10T>C on transcript NM_001042492.3 (MANE Select); 10 bases into the intron after coding-DNA position 3708, T replaced by C.
Molecular consequence: intron variant.
Genome position (GRCh38, 1-based): chr17:31,233,223, T>C. VCF-style: chr17-31233223-T-C. GRCh37 (hg19) VCF-style: chr17-29560241-T-C.
Other names: c.3708+10T>C (NM_000267.4).
Identifiers: ClinVar variation 799639 (VCV000799639.10), dbSNP rs757762958, ClinGen allele CA8486209.
Genomic context (GRCh38, chr17:31,233,223, plus strand): 5'-GAACTCCCTATAGCGATGGCTCTGGCCAATGTGGTTCCTTGTTCTCAGTGGGTAAGTGAT[T>C]AGAGTAAGCGGGGAAGAAAAGTGCCTGGCACATAGCAAATCCTTCAGAATATATTTGTTC-3'

ClinVar aggregate classification (germline): Likely benign. Review status: criteria provided, multiple submitters, no conflicts (2 of 4 stars). 2 submissions from 2 submitters: Likely benign (2). Last evaluated 2026-05-12.

Conditions:
Neurofibromatosis, type 1 (NF1). Also called: NEUROFIBROMATOSIS, TYPE I, SOMATIC; Peripheral type neurofibromatosis; VON RECKLINGHAUSEN DISEASE; Neurofibromatosis, type I. Identifiers: Orphanet 636, MedGen C0027831, MONDO:0018975, OMIM 162200. Disease mechanism: loss of function.

Allele frequency attached by ClinVar (database versions not stated): TOPMed below 0.00001; gnomAD exomes below 0.00001 and 0.00001; gnomAD 0.00001; ExAC 0.00002.
gnomAD v4.1: 3 of 1,612,568 alleles (0.00019%); highest among the groups gnomAD compares: Non-Finnish European, 0.00025%; no homozygotes.

Submissions (2):

Myriad Genetics, Inc.
Classification: Likely benign for Neurofibromatosis, type 1. Last evaluated: 2026-05-12. Review status: criteria provided, single submitter. Criteria: Myriad Autosomal Dominant, Autosomal Recessive and X-Linked Classification Criteria (2023). Collection method: clinical testing. Allele origin: unknown.
Comment: This variant is considered likely benign. This variant is intronic and is not expected to impact mRNA splicing.

Labcorp Genetics (formerly Invitae), Labcorp
Classification: Likely benign for Neurofibromatosis, type 1. Last evaluated: 2022-07-14. Review status: criteria provided, single submitter. Criteria: Invitae Variant Classification Sherloc (09022015). Collection method: clinical testing. Allele origin: germline.